The following is an entry in ClinVar:

ClinVar aggregate classification (germline): Likely benign (1 of 4 stars; one submission).

Conditions:
F13B-related disorder. Also called: F13B-related condition.

Submission:

PreventionGenetics, part of Exact Sciences
Classification: Likely benign for F13B-related condition. Last evaluated: 2025-08-12. Review status: criteria provided, single submitter. Criteria: ACMG Guidelines, 2015. Collection method: clinical testing. Allele origin: germline.
Comment: This variant is classified as likely benign based on ACMG/AMP sequence variant interpretation guidelines (Richards et al. 2015 PMID: 25741868, with internal and published modifications).

NM_001994.3(F13B):c.1551A>G (p.Arg517=)

Gene: F13B (coagulation factor XIII B chain; minus strand). Cytogenetic location: 1q31.3.
Variant type: single nucleotide variant.
Coding change: c.1551A>G on transcript NM_001994.3 (MANE Select); coding-DNA position 1551, A replaced by G.
Protein change: p.Arg517=; no amino-acid change (arginine 517 retained).
Molecular consequence: synonymous variant.
Genome position (GRCh38, 1-based): chr1:197,052,638, T>C on the plus strand (A>G on the coding strand, the complement: F13B is on the minus strand). VCF-style: chr1-197052638-T-C. GRCh37 (hg19) VCF-style: chr1-197021768-T-C.
Identifiers: ClinVar variation 4999757 (VCV004999757.1).